The following is an entry in ClinVar:

ClinVar aggregate classification (germline): Likely benign (1 of 4 stars; one submission).

Allele frequency attached by ClinVar (database versions not stated): gnomAD 0.00001; TOPMed 0.00001; ExAC 0.00002.
gnomAD v4.1: 42 of 1,613,838 alleles (0.0026%); highest among the groups gnomAD compares: Non-Finnish European, 0.0033%; no homozygotes.

Submission:

CeGaT Center for Human Genetics Tuebingen
Classification: Likely benign. Last evaluated: 2023-03-01. Review status: criteria provided, single submitter. Criteria: CeGaT Center For Human Genetics Tuebingen Variant Classification Criteria Version 2. Collection method: clinical testing. Allele origin: germline. Affected: yes. Observed: 1 variant allele.
Comment: PDCD11: BP4, BP7

NM_014976.2(PDCD11):c.171G>A (p.Leu57=)

Gene: PDCD11 (programmed cell death 11; plus strand). Cytogenetic location: 10q24.33.
Variant type: single nucleotide variant.
Coding change: c.171G>A on transcript NM_014976.2 (MANE Select); coding-DNA position 171, G replaced by A.
Protein change: p.Leu57=; no amino-acid change (leucine 57 retained).
Molecular consequence: synonymous variant.
Genome position (GRCh38, 1-based): chr10:103,400,465, G>A. VCF-style: chr10-103400465-G-A. GRCh37 (hg19) VCF-style: chr10-105160222-G-A.
Other names: c.171G>A, p.Leu57= (NM_001411058.1).
Identifiers: ClinVar variation 2640802 (VCV002640802.24), dbSNP rs778163990, ClinGen allele CA5672637.